The following is an entry in ClinVar:

ClinVar aggregate classification (germline): Uncertain significance (1 of 4 stars; one submission).

gnomAD v4.1: 1 of 1,614,194 alleles (0.000062%); highest among the groups gnomAD compares: Non-Finnish European, 0.000085%; no homozygotes.

Submission:

GeneDx
Classification: Uncertain significance. Last evaluated: 2026-03-22. Review status: criteria provided, single submitter. Criteria: GeneDx Variant Classification Process June 2021. Collection method: clinical testing. Allele origin: germline.
Comment: Not observed at significant frequency in large population cohorts (gnomAD); In silico analysis suggests that this missense variant does not alter protein structure/function; Has not been previously published as pathogenic or benign to our knowledge.

NM_001378418.1(TCF20):c.3200C>T (p.Thr1067Ile)

Gene: TCF20 (transcription factor 20; minus strand). Cytogenetic location: 22q13.2.
Variant type: single nucleotide variant.
Coding change: c.3200C>T on transcript NM_001378418.1 (MANE Select); coding-DNA position 3200, C replaced by T.
Protein change: p.Thr1067Ile; replaces threonine 1067 with isoleucine.
Molecular consequence: missense variant.
Genome position (GRCh38, 1-based): chr22:42,212,106, G>A on the plus strand (C>T on the coding strand, the complement: TCF20 is on the minus strand). VCF-style: chr22-42212106-G-A. GRCh37 (hg19) VCF-style: chr22-42608112-G-A.
Other names: c.3200C>T, p.Thr1067Ile (NM_005650.4, NM_181492.3); short protein forms T1067I.
Identifiers: ClinVar variation 5017221 (VCV005017221.1).